The following is an entry in ClinVar:

ClinVar aggregate classification (germline): Uncertain significance (1 of 4 stars; one submission).

Conditions:
Charcot-Marie-Tooth disease axonal type 2P. Also called: CHARCOT-MARIE-TOOTH NEUROPATHY, TYPE 2P; CHARCOT-MARIE-TOOTH DISEASE, AXONAL, TYPE 2G; CMT 2G; Charcot-Marie-Tooth Neuropathy Type 2G. Identifiers: Orphanet 300319, Orphanet 99941, MedGen C3280797, MONDO:0013753, OMIM 614436.

Allele frequency attached by ClinVar (database versions not stated): gnomAD 0.00002; TOPMed 0.00002.
gnomAD v4.1: 3 of 1,613,618 alleles (0.00019%); highest among the groups gnomAD compares: African/African-American, 0.004%; no homozygotes.

Submission:

Labcorp Genetics (formerly Invitae), Labcorp
Classification: Uncertain significance for Charcot-Marie-Tooth disease axonal type 2P. Last evaluated: 2024-09-05. Review status: criteria provided, single submitter. Criteria: Invitae Variant Classification Sherloc (09022015). Collection method: clinical testing. Allele origin: germline.
Comment: This sequence change replaces aspartic acid, which is acidic and polar, with glycine, which is neutral and non-polar, at codon 425 of the LRSAM1 protein (p.Asp425Gly). This variant is not present in population databases (gnomAD no frequency). This variant has not been reported in the literature in individuals affected with LRSAM1-related conditions. ClinVar contains an entry for this variant (Variation ID: 2140270). Invitae Evidence Modeling of protein sequence and biophysical properties (such as structural, functional, and spatial information, amino acid conservation, physicochemical variation, residue mobility, and thermodynamic stability) indicates that this missense variant is expected to disrupt LRSAM1 protein function with a positive predictive value of 80%. In summary, the available evidence is currently insufficient to determine the role of this variant in disease. Therefore, it has been classified as a Variant of Uncertain Significance.

NM_001005373.4(LRSAM1):c.1274A>G (p.Asp425Gly)

Gene: LRSAM1 (leucine rich repeat and sterile alpha motif containing 1; plus strand). Cytogenetic location: 9q33.3.
Variant type: single nucleotide variant.
Coding change: c.1274A>G on transcript NM_001005373.4 (MANE Select); coding-DNA position 1274, A replaced by G.
Protein change: p.Asp425Gly; replaces aspartic acid 425 with glycine.
Molecular consequence: missense variant. On other transcripts: non-coding transcript variant (2).
Genome position (GRCh38, 1-based): chr9:127,487,690, A>G. VCF-style: chr9-127487690-A-G. GRCh37 (hg19) VCF-style: chr9-130249969-A-G.
Other names: c.1274A>G, p.Asp425Gly (NM_001005374.4, NM_001190723.3, NM_001384142.1 and 2 more transcripts); c.485A>G, p.Asp162Gly (NM_001384144.1); short protein forms D425G, D162G.
Identifiers: ClinVar variation 2140270 (VCV002140270.4), dbSNP rs1319532452, ClinGen allele CA374932646.